The following is an entry in ClinVar:

ClinVar aggregate classification (germline): Uncertain significance (1 of 4 stars; one submission).

Conditions:
Adenylosuccinate lyase deficiency (ADSLD). Also called: ADSL DEFICIENCY. Identifiers: Orphanet 46, MedGen C0268126, MONDO:0007068, OMIM 103050.

Submission:

Labcorp Genetics (formerly Invitae), Labcorp
Classification: Uncertain significance for Adenylosuccinate lyase deficiency. Last evaluated: 2022-08-21. Review status: criteria provided, single submitter. Criteria: Invitae Variant Classification Sherloc (09022015). Collection method: clinical testing. Allele origin: germline.
Comment: This variant occurs in a non-coding region of the ADSL gene. It does not change the encoded amino acid sequence of the ADSL protein. This variant is not present in population databases (gnomAD no frequency). This variant has not been reported in the literature in individuals affected with ADSL-related conditions. Experimental studies and prediction algorithms are not available or were not evaluated, and the functional significance of this variant is currently unknown. In summary, the available evidence is currently insufficient to determine the role of this variant in disease. Therefore, it has been classified as a Variant of Uncertain Significance.

NC_000022.11:g.40345847C>G

Gene: ADSL (adenylosuccinate lyase; plus strand). Cytogenetic location: 22q13.1.
Variant type: single nucleotide variant.
Genome position: GRCh38 VCF-style: chr22-40345847-C-G. GRCh37 (hg19) VCF-style: chr22-40741851-C-G.
Identifiers: ClinVar variation 2025869 (VCV002025869.5), dbSNP rs2518074684, ClinGen allele CA2580099784.
Genomic context (GRCh38, chr22:40,345,847, plus strand): 5'-TGCCCGACTAATTTTTTGTATTTTAGTAGAGACAGGGTTTCACGTGTTGCCCAGGCTGGT[C>G]TCAAACTCCTAAGCTCAGGAAATCTGCCTGCCTCGACCTCCCGAAGTGCTGGGATTACAG-3'